The following is an entry in ClinVar:

NM_206933.4(USH2A):c.9372-1G>T

Gene: USH2A (usherin; minus strand). Cytogenetic location: 1q41.
Variant type: single nucleotide variant.
Coding change: c.9372-1G>T on transcript NM_206933.4 (MANE Select); the canonical splice acceptor site of the intron before coding-DNA position 9372, G replaced by T.
Molecular consequence: splice acceptor variant.
Genome position (GRCh38, 1-based): chr1:215,817,196, C>A on the plus strand (G>T on the coding strand, the complement: USH2A is on the minus strand). VCF-style: chr1-215817196-C-A. GRCh37 (hg19) VCF-style: chr1-215990538-C-A.
Identifiers: ClinVar variation 4081847 (VCV004081847.1).
Genomic context (GRCh38, chr1:215,817,196, plus strand): 5'-TCATATCCAAGAATGATGCCATTTGGCTTCCGTGGAGACACCCAATCAATTTGAAGAGAT[C>A]TGCAACAGAGAGAATAATCAATACTTCTGAAAAGACACTATTTAACATTGATGCTATCAG-3'

ClinVar aggregate classification (germline): Likely pathogenic (1 of 4 stars; one submission).

Conditions:
USH2A-related disorder. Also called: USH2A-related condition; USH2A-related disorders. Identifiers: MedGen CN239332.

Submission:

Myriad Genetics, Inc.
Classification: Likely pathogenic for USH2A-related disorder. Last evaluated: 2025-04-03. Review status: criteria provided, single submitter. Criteria: Myriad Autosomal Dominant, Autosomal Recessive and X-Linked Classification Criteria (2023). Collection method: clinical testing. Allele origin: unknown.
Comment: NM_206933.2(USH2A):c.9372-1G>T is a variant in a canonical splice site classified as likely pathogenic in the context of USH2A-related disorders. c.9372-1G>T has not been observed in cases with relevant disease. Relevant functional assessments of this variant are not available in the literature. c.9372-1G>T has not been observed in referenced population frequency databases. In summary, NM_206933.2(USH2A):c.9372-1G>T is a variant in a canonical splice site in a gene where loss of function is a known mechanism of disease and is predicted to disrupt protein function. Please note: this variant was assessed in the context of healthy population screening.